The following is an entry in ClinVar:

NM_001250.6(CD40):c.540C>A (p.Asn180Lys)

Gene: CD40 (CD40 molecule; plus strand). Cytogenetic location: 20q13.12.
Variant type: single nucleotide variant.
Coding change: c.540C>A on transcript NM_001250.6 (MANE Select); coding-DNA position 540, C replaced by A.
Protein change: p.Asn180Lys; replaces asparagine 180 with lysine.
Molecular consequence: missense variant. On other transcripts: non-coding transcript variant (1), intron variant (2).
Genome position (GRCh38, 1-based): chr20:46,126,682, C>A. VCF-style: chr20-46126682-C-A. GRCh37 (hg19) VCF-style: chr20-44755321-C-A.
Other names: c.540C>A (NM_001250.5); c.540C>A, p.Asn180Lys (NM_001302753.2, NM_001322421.2, NM_001362758.2); c.498-1456C>A (NM_152854.4); c.404-1456C>A (NM_001322422.2); short protein forms N180K.
Identifiers: ClinVar variation 1968408 (VCV001968408.5), dbSNP rs2515721644, ClinGen allele CA409208320.

ClinVar aggregate classification (germline): Uncertain significance. Review status: criteria provided, multiple submitters, no conflicts (2 of 4 stars). 2 submissions from 2 submitters: Uncertain significance (2). Last evaluated 2024-10-25.

Conditions:
CD40-related disorder. Also called: CD40-related condition.

gnomAD v4.1: 8 of 1,614,104 alleles (0.0005%); highest among the groups gnomAD compares: Middle Eastern, 0.13%; 2 homozygotes.

Submissions (2):

Labcorp Genetics (formerly Invitae), Labcorp
Classification: Uncertain significance. Last evaluated: 2024-10-25. Review status: criteria provided, single submitter. Criteria: Invitae Variant Classification Sherloc (09022015). Collection method: clinical testing. Allele origin: germline.
Comment: This sequence change replaces asparagine, which is neutral and polar, with lysine, which is basic and polar, at codon 180 of the CD40 protein (p.Asn180Lys). This variant is not present in population databases (gnomAD no frequency). This variant has not been reported in the literature in individuals affected with CD40-related conditions. ClinVar contains an entry for this variant (Variation ID: 1968408). Invitae Evidence Modeling of protein sequence and biophysical properties (such as structural, functional, and spatial information, amino acid conservation, physicochemical variation, residue mobility, and thermodynamic stability) indicates that this missense variant is not expected to disrupt CD40 protein function with a negative predictive value of 80%. Algorithms developed to predict the effect of sequence changes on RNA splicing suggest that this variant may disrupt the consensus splice site. In summary, the available evidence is currently insufficient to determine the role of this variant in disease. Therefore, it has been classified as a Variant of Uncertain Significance.

PreventionGenetics, part of Exact Sciences
Classification: Uncertain significance for CD40-related condition. Last evaluated: 2023-07-27. Review status: criteria provided, single submitter. Criteria: ACMG Guidelines, 2015. Collection method: clinical testing. Allele origin: germline.
Comment: The CD40 c.540C>A variant is predicted to result in the amino acid substitution p.Asn180Lys. To our knowledge, this variant has not been reported in the literature or in a large population database, indicating this variant is rare. At this time, the clinical significance of this variant is uncertain due to the absence of conclusive functional and genetic evidence.